The following is an entry in ClinVar:

ClinVar aggregate classification (germline): Uncertain significance (1 of 4 stars; one submission).

Allele frequency attached by ClinVar (database versions not stated): ExAC 0.00001; gnomAD exomes 0.00001.
gnomAD v4.1: 7 of 1,593,204 alleles (0.00044%); highest among the groups gnomAD compares: Non-Finnish European, 0.0006%; no homozygotes.

Submission:

Labcorp Genetics (formerly Invitae), Labcorp
Classification: Uncertain significance. Last evaluated: 2023-06-16. Review status: criteria provided, single submitter. Criteria: Invitae Variant Classification Sherloc (09022015). Collection method: clinical testing. Allele origin: germline.
Comment: This sequence change replaces histidine, which is basic and polar, with arginine, which is basic and polar, at codon 245 of the GATAD2B protein (p.His245Arg). This variant is present in population databases (rs765314482, gnomAD 0.003%). This variant has not been reported in the literature in individuals affected with GATAD2B-related conditions. Advanced modeling of protein sequence and biophysical properties (such as structural, functional, and spatial information, amino acid conservation, physicochemical variation, residue mobility, and thermodynamic stability) performed at Invitae indicates that this missense variant is expected to disrupt GATAD2B protein function. In summary, the available evidence is currently insufficient to determine the role of this variant in disease. Therefore, it has been classified as a Variant of Uncertain Significance.

NM_020699.4(GATAD2B):c.734A>G (p.His245Arg)

Gene: GATAD2B (GATA zinc finger domain containing 2B; minus strand). Cytogenetic location: 1q21.3.
Variant type: single nucleotide variant.
Coding change: c.734A>G on transcript NM_020699.4 (MANE Select); coding-DNA position 734, A replaced by G.
Protein change: p.His245Arg; replaces histidine 245 with arginine.
Molecular consequence: missense variant.
Genome position (GRCh38, 1-based): chr1:153,817,538, T>C on the plus strand (A>G on the coding strand, the complement: GATAD2B is on the minus strand). VCF-style: chr1-153817538-T-C. GRCh37 (hg19) VCF-style: chr1-153790014-T-C.
Other names: short protein forms H245R.
Identifiers: ClinVar variation 2789678 (VCV002789678.3), dbSNP rs765314482, ClinGen allele CA1120777.
Genomic context (GRCh38, chr1:153,817,538, plus strand): 5'-ACACGTTGAGACATCAACATGTGTGGAAGGGTGGTATTGGTAGCTGAACGGATGACACTG[T>C]GACCCTGGAGGGGAAGAAGAGGAAAAGAACTAATCACAGGTTGTACGCTGTGTATAATAC-3'
Protein context (NP_065750.1, residues 235-255): EPQNLRTLQG[His245Arg]SVIRSATNTT